The following is an entry in ClinVar:

NM_001012759.3(CTU2):c.1191C>T (p.Val397=)

Gene: CTU2 (cytosolic thiouridylase subunit 2; plus strand). Cytogenetic location: 16q24.3.
Variant type: single nucleotide variant.
Coding change: c.1191C>T on transcript NM_001012759.3 (MANE Select); coding-DNA position 1191, C replaced by T.
Protein change: p.Val397=; no amino-acid change (valine 397 retained).
Molecular consequence: synonymous variant.
Genome position (GRCh38, 1-based): chr16:88,714,476, C>T. VCF-style: chr16-88714476-C-T. GRCh37 (hg19) VCF-style: chr16-88780884-C-T.
Other names: c.1191C>T, p.Val397= (NM_001012762.3); c.1404C>T, p.Val468= (NM_001318507.2); c.930C>T, p.Val310= (NM_001318513.2).
Identifiers: ClinVar variation 2734909 (VCV002734909.8), dbSNP rs147808203, ClinGen allele CA8230890.
Genomic context (GRCh38, chr16:88,714,476, plus strand): 5'-TGGCCCTGCTGCTGGCGACTCCGGCCCCCGCTGCCTCCTCTGCATGTGTGCCCTGGACGT[C>T]GACGCCGCTGGTCTGTGTTTCATGCTCTTGGGGTGATGCGGGGAGGGAGCCAGGGAGTGG-3'
Protein context (NP_001012777.1, residues 387-407): RCLLCMCALD[Val397=]DAADSATAFG

ClinVar aggregate classification (germline): Benign/Likely benign. Review status: criteria provided, multiple submitters, no conflicts (2 of 4 stars). 2 submissions from 2 submitters: Benign (1); Likely benign (1). Last evaluated 2025-12-01.

Allele frequency attached by ClinVar (database versions not stated): ExAC 0.00023; 1000 Genomes Project 30x 0.00047; 1000 Genomes Project 0.00060; ESP Exome Variant Server 0.00069.
gnomAD v4.1: 285 of 1,612,572 alleles (0.018%); highest among the groups gnomAD compares: African/African-American, 0.24%; no homozygotes.

Submissions (2):

CeGaT Center for Human Genetics Tuebingen
Classification: Likely benign. Last evaluated: 2025-12-01. Review status: criteria provided, single submitter. Criteria: CeGaT Center For Human Genetics Tuebingen Variant Classification Criteria Version 2. Collection method: clinical testing. Allele origin: germline. Affected: yes. Observed: 1 variant allele.
Comment: CTU2: BP4, BP7

Labcorp Genetics (formerly Invitae), Labcorp
Classification: Benign. Last evaluated: 2025-08-29. Review status: criteria provided, single submitter. Criteria: Invitae Variant Classification Sherloc (09022015). Collection method: clinical testing. Allele origin: germline.